The following is an entry in ClinVar:

ClinVar aggregate classification (germline): Likely benign (1 of 4 stars; one submission).

Submission:

Women's Health and Genetics/Laboratory Corporation of America, LabCorp
Classification: Likely benign. Last evaluated: 2024-12-11. Review status: criteria provided, single submitter. Criteria: LabCorp Variant Classification Summary - May 2015. Collection method: clinical testing. Allele origin: germline.
Comment: Variant summary: PSEN1 c.321C>T alters a non-conserved nucleotide resulting in a synonymous change. Consensus agreement among computation tools predict no significant impact on normal splicing. However, these predictions have yet to be confirmed by functional studies. The variant allele was found at a frequency of 4e-06 in 251440 control chromosomes. The available data on variant occurrences in the general population are insufficient to allow any conclusion about variant significance. To our knowledge, no occurrence of c.321C>T in individuals affected with Alzheimer Disease, Type 3 and no experimental evidence demonstrating its impact on protein function have been reported. No submitters have cited clinical-significance assessments for this variant to ClinVar. Based on the evidence outlined above, the variant was classified as likely benign.

NM_000021.4(PSEN1):c.321C>T (p.Thr107=)

Gene: PSEN1 (presenilin 1; plus strand). Cytogenetic location: 14q24.2.
Variant type: single nucleotide variant.
Coding change: c.321C>T on transcript NM_000021.4 (MANE Select); coding-DNA position 321, C replaced by T.
Protein change: p.Thr107=; no amino-acid change (threonine 107 retained).
Molecular consequence: synonymous variant.
Genome position (GRCh38, 1-based): chr14:73,171,030, C>T. VCF-style: chr14-73171030-C-T. GRCh37 (hg19) VCF-style: chr14-73637738-C-T.
Other names: c.309C>T, p.Thr103= (NM_007318.3).
Identifiers: ClinVar variation 3768111 (VCV003768111.1).
Genomic context (GRCh38, chr14:73,171,030, plus strand): 5'-CCCTGTGACTCTCTGCATGGTGGTGGTCGTGGCTACCATTAAGTCAGTCAGCTTTTATAC[C>T]CGGAAGGATGGGCAGCTGTACGTATGAGTTTTGTTTTATTATTCTCAAAGCCAGTGTGGC-3'
Protein context (NP_000012.1, residues 97-117): VATIKSVSFY[Thr107=]RKDGQLIYTP